The following is an entry in ClinVar:

NM_000799.4(EPO):c.250G>A (p.Gly84Arg)

Gene: EPO (erythropoietin; plus strand). Cytogenetic location: 7q22.1.
Variant type: single nucleotide variant.
Coding change: c.250G>A on transcript NM_000799.4 (MANE Select); coding-DNA position 250, G replaced by A.
Protein change: p.Gly84Arg; replaces glycine 84 with arginine.
Molecular consequence: missense variant.
Genome position (GRCh38, 1-based): chr7:100,722,667, G>A. VCF-style: chr7-100722667-G-A. GRCh37 (hg19) VCF-style: chr7-100320290-G-A.
Other names: p.Gly84Arg; NC_000007.13:g.100320290G>A; short protein forms G84R.
Identifiers: ClinVar variation 718151 (VCV000718151.8), dbSNP rs137953994, ClinGen allele CA4389506.
Genomic context (GRCh38, chr7:100,722,667, plus strand): 5'-GGGCAGGAGGGAGAGGGTGACATGGGTCAGCTGACTCCCAGAGTCCACTCCCTGTAGGTC[G>A]GGCAGCAGGCCGTAGAAGTCTGGCAGGGCCTGGCCCTGCTGTCGGAAGCTGTCCTGCGGG-3'
Protein context (NP_000790.2, residues 74-94): NFYAWKRMEV[Gly84Arg]QQAVEVWQGL

ClinVar aggregate classification (germline): Conflicting classifications of pathogenicity. Review status: criteria provided, conflicting classifications (1 of 4 stars). 4 submissions from 4 submitters: Uncertain significance (1); Likely benign (3). Last evaluated 2026-06-25.

Conditions:
EPO-related disorder. Also called: EPO-related condition.

Allele frequency attached by ClinVar (database versions not stated): 1000 Genomes Project 0.00100; 1000 Genomes Project 30x 0.00109; gnomAD 0.00156; ESP Exome Variant Server 0.00170; TOPMed 0.00195.
gnomAD v4.1: 1,881 of 1,589,690 alleles (0.12%); highest among the groups gnomAD compares: Middle Eastern, 0.53%; 2 homozygotes.

Submissions (6):

PreventionGenetics, part of Exact Sciences
Classification: Likely benign for EPO-related condition. Last evaluated: 2026-06-25. Review status: criteria provided, single submitter. Criteria: ACMG Guidelines, 2015. Collection method: clinical testing. Allele origin: germline.
Comment: This variant is classified as likely benign based on ACMG/AMP sequence variant interpretation guidelines (Richards et al. 2015 PMID: 25741868, with internal and published modifications).

Mayo Clinic Laboratories, Mayo Clinic
Classification: Uncertain significance. Last evaluated: 2024-05-06. Review status: criteria provided, single submitter. Criteria: ACMG Guidelines, 2015. Collection method: clinical testing. Allele origin: germline. Observed: 1 variant allele.
Comment: BS4_supporting, BP4, BP5, PM2_moderate

Labcorp Genetics (formerly Invitae), Labcorp
Classification: Likely benign. Last evaluated: 2019-12-31. Review status: criteria provided, single submitter. Criteria: Invitae Variant Classification Sherloc (09022015). Collection method: clinical testing. Allele origin: germline.

Breakthrough Genomics
Classification: Likely benign. Review status: criteria provided, single submitter. Criteria: ACMG Guidelines, 2015. Collection method: not provided. Allele origin: germline. Inheritance: Autosomal recessive inheritance. Affected: yes.

Dr. Peter K. Rogan Lab, Western University
No classification provided (evidence only). Condition: Clear cell carcinoma of kidney. Review status: no classification provided. Collection method: in vitro. Allele origin: not applicable. Functional consequence: retained intron. Not counted in ClinVar's aggregate classification.

Dr. Peter K. Rogan Lab, Western University
No classification provided (evidence only). Condition: Malignant tumor of esophagus. Review status: no classification provided. Collection method: in vitro. Allele origin: not applicable. Functional consequence: retained intron. Not counted in ClinVar's aggregate classification.

Literature cited by the submitters: PubMed 27389715 (cited by Mayo Clinic Laboratories, Mayo Clinic); PubMed 27651169 (cited by Mayo Clinic Laboratories, Mayo Clinic); PubMed 30507031 (cited by Mayo Clinic Laboratories, Mayo Clinic).